The following is an entry in ClinVar:

ClinVar aggregate classification (germline): Uncertain significance (1 of 4 stars; one submission).

Conditions:
Myopathy, proximal, and ophthalmoplegia (CMYO6). Also called: CONGENITAL MYOPATHY 6 WITH OPHTHALMOPLEGIA; INCLUSION BODY MYOPATHY 3, AUTOSOMAL DOMINANT; MYOPATHY WITH CONGENITAL JOINT CONTRACTURES, OPHTHALMOPLEGIA, AND RIMMED VACUOLES. Identifiers: Orphanet 363677, Orphanet 79091, MedGen C1854106, MONDO:0011577, OMIM 605637.

Allele frequency attached by ClinVar (database versions not stated): TOPMed below 0.00001; gnomAD 0.00001.
gnomAD v4.1: 1 of 1,614,064 alleles (0.000062%); highest among the groups gnomAD compares: Non-Finnish European, 0.000085%; no homozygotes.

Submission:

Labcorp Genetics (formerly Invitae), Labcorp
Classification: Uncertain significance for Myopathy, proximal, and ophthalmoplegia. Last evaluated: 2025-04-02. Review status: criteria provided, single submitter. Criteria: Invitae Variant Classification Sherloc (09022015). Collection method: clinical testing. Allele origin: germline.
Comment: This sequence change falls in intron 20 of the MYH2 gene. It does not directly change the encoded amino acid sequence of the MYH2 protein. It affects a nucleotide within the consensus splice site. This variant is present in population databases (no rsID available, gnomAD 0.007%). This variant has not been reported in the literature in individuals affected with MYH2-related conditions. ClinVar contains an entry for this variant (Variation ID: 2039370). Variants that disrupt the consensus splice site are a relatively common cause of aberrant splicing (PMID: 17576681, 9536098). Algorithms developed to predict the effect of sequence changes on RNA splicing suggest that this variant is not likely to affect RNA splicing. In summary, the available evidence is currently insufficient to determine the role of this variant in disease. Therefore, it has been classified as a Variant of Uncertain Significance.

Literature cited by the submitters: PubMed 17576681; PubMed 9536098.

NM_017534.6(MYH2):c.2305-3C>T

Genes: MYH2 (myosin heavy chain 2; minus strand), MYHAS (myosin heavy chain gene cluster antisense RNA; plus strand). Cytogenetic location: 17p13.1.
Variant type: single nucleotide variant.
Coding change: c.2305-3C>T on transcript NM_017534.6 (MANE Select); 3 bases into the intron before coding-DNA position 2305, C replaced by T.
Molecular consequence: intron variant.
Genome position (GRCh38, 1-based): chr17:10,533,424, G>A on the plus strand (C>T on the coding strand, the complement: MYH2 is on the minus strand). VCF-style: chr17-10533424-G-A. GRCh37 (hg19) VCF-style: chr17-10436741-G-A.
Other names: c.2305-3C>T (NM_001100112.2).
Identifiers: ClinVar variation 2039370 (VCV002039370.4), dbSNP rs1317717541, ClinGen allele CA497977214.